The following is an entry in ClinVar:

ClinVar aggregate classification (germline): Pathogenic (1 of 4 stars; one submission).

Conditions:
Retinoblastoma (RB1). Also called: RETINOBLASTOMA, SOMATIC. Identifiers: Orphanet 790, MedGen C0035335, MeSH D012175, MONDO:0008380, OMIM 180200, HP:0009919. Disease mechanism: loss of function. Inheritance: Both sporadic and heritable forms are tested..

Submission:

Labcorp Genetics (formerly Invitae), Labcorp
Classification: Pathogenic for Retinoblastoma. Last evaluated: 2021-07-28. Review status: criteria provided, single submitter. Criteria: Invitae Variant Classification Sherloc (09022015). Collection method: clinical testing. Allele origin: germline.
Comment: For these reasons, this variant has been classified as Pathogenic. This variant has not been reported in the literature in individuals affected with RB1-related conditions. This variant is not present in population databases (ExAC no frequency). This sequence change creates a premature translational stop signal (p.Leu199Phefs*2) in the RB1 gene. It is expected to result in an absent or disrupted protein product. Loss-of-function variants in RB1 are known to be pathogenic (PMID: 17096365).

Literature cited by the submitters: PubMed 17096365.

NM_000321.3(RB1):c.597del (p.Leu199fs)

Gene: RB1 (RB transcriptional corepressor 1; plus strand). Cytogenetic location: 13q14.2.
Variant type: Deletion.
Coding change: c.597del on transcript NM_000321.3 (MANE Select); coding-DNA position 597, one base deleted (A; older notation c.597delA).
Protein change: p.Leu199fs; shifts the reading frame from leucine 199.
Molecular consequence: frameshift variant.
Genome position (GRCh38, 1-based): chr13:48,349,013, A deleted. VCF-style (leftmost placement, unchanged base first): chr13-48349012-TA-T. GRCh37 (hg19) VCF-style: chr13-48923148-TA-T.
Other names: short protein forms L199fs.
Identifiers: ClinVar variation 1457618 (VCV001457618.6), dbSNP rs2138093727, ClinGen allele CA2573149560.
Genomic context (GRCh38, chr13:48,349,012, plus strand): 5'-ATAGGATATCTACTGAAATAAATTCTGCATTGGTGCTAAAAGTTTCTTGGATCACATTTT[TA>T]TTAGCTAAAGGTAAGTTCATTATATTTATTAAATGCTAATATTTCAAATGTAATAATTAA-3'